The following is an entry in ClinVar:

ClinVar aggregate classification (germline): Likely benign (1 of 4 stars; one submission).

Allele frequency attached by ClinVar (database versions not stated): 1000 Genomes Project 30x 0.00234; 1000 Genomes Project 0.00260; ESP Exome Variant Server 0.00275.
gnomAD v4.1: 5,742 of 1,611,820 alleles (0.36%); highest among the groups gnomAD compares: Middle Eastern, 1.9%; 31 homozygotes.

Submission:

CeGaT Center for Human Genetics Tuebingen
Classification: Likely benign. Last evaluated: 2023-03-01. Review status: criteria provided, single submitter. Criteria: CeGaT Center For Human Genetics Tuebingen Variant Classification Criteria Version 2. Collection method: clinical testing. Allele origin: germline. Affected: yes. Observed: 1 variant allele.
Comment: ADGRL3: BP4, BP7, BS2

NM_001387552.1(ADGRL3):c.675G>A (p.Ala225=)

Gene: ADGRL3 (adhesion G protein-coupled receptor L3; plus strand). Cytogenetic location: 4q13.1.
Variant type: single nucleotide variant.
Coding change: c.675G>A on transcript NM_001387552.1 (MANE Select); coding-DNA position 675, G replaced by A.
Protein change: p.Ala225=; no amino-acid change (alanine 225 retained).
Molecular consequence: synonymous variant.
Genome position (GRCh38, 1-based): chr4:61,732,830, G>A. VCF-style: chr4-61732830-G-A. GRCh37 (hg19) VCF-style: chr4-62598548-G-A.
Other names: c.471G>A, p.Ala157= (NM_001322246.3, NM_001387526.1, NM_001387527.1 and 17 more transcripts); c.675G>A, p.Ala225= (NM_001322402.3, NM_001371343.2, NM_001371344.2 and 5 more transcripts); c.456G>A, p.Ala152= (NM_001371342.1, NM_001371346.2, NM_001387542.1 and 1 more transcripts); c.660G>A, p.Ala220= (NM_001387524.1); c.393G>A, p.Ala131= (NM_001387541.1); c.189G>A, p.Ala63= (NM_001387543.1, NM_001387544.1).
Identifiers: ClinVar variation 2654778 (VCV002654778.24), dbSNP rs191915391, ClinGen allele CA2934330.